The following is an entry in ClinVar:

NM_014639.4(SKIC3):c.3613C>T (p.Gln1205Ter)

Gene: SKIC3 (SKI3 subunit of superkiller complex; minus strand). Cytogenetic location: 5q15.
Variant type: single nucleotide variant.
Coding change: c.3613C>T on transcript NM_014639.4 (MANE Select); coding-DNA position 3613, C replaced by T.
Protein change: p.Gln1205Ter; replaces glutamine 1205 with a stop codon.
Molecular consequence: nonsense.
Genome position (GRCh38, 1-based): chr5:95,497,439, G>A on the plus strand (C>T on the coding strand, the complement: SKIC3 is on the minus strand). VCF-style: chr5-95497439-G-A. GRCh37 (hg19) VCF-style: chr5-94833143-G-A.
Other names: short protein forms Q1205*.
Identifiers: ClinVar variation 2910191 (VCV002910191.3), dbSNP rs2530717734, ClinGen allele CA360449265.
Genomic context (GRCh38, chr5:95,497,439, plus strand): 5'-TTTTATCTCTTTGCTAGAATTTGAAACGTTACTTTACCTTTGCATTTCGTTGAGCATACT[G>A]TGCAACAACTCGAGACAACAGAGACCAAAGAGCAGGGTCACCAGGGTTGCTAAAGGAATC-3'

ClinVar aggregate classification (germline): Pathogenic (1 of 4 stars; one submission).

Submission:

Labcorp Genetics (formerly Invitae), Labcorp
Classification: Pathogenic. Last evaluated: 2023-11-19. Review status: criteria provided, single submitter. Criteria: Invitae Variant Classification Sherloc (09022015). Collection method: clinical testing. Allele origin: germline.
Comment: This sequence change creates a premature translational stop signal (p.Gln1205*) in the TTC37 gene. It is expected to result in an absent or disrupted protein product. Loss-of-function variants in TTC37 are known to be pathogenic (PMID: 20176027, 21120949). This variant is not present in population databases (gnomAD no frequency). This premature translational stop signal has been observed in individual(s) with Trichohepatoenteric syndrome (PMID: 29527791). For these reasons, this variant has been classified as Pathogenic.

Literature cited by the submitters: PubMed 20176027; PubMed 21120949; PubMed 29527791.